The following is an entry in ClinVar:

ClinVar aggregate classification (germline): Likely benign. Review status: criteria provided, multiple submitters, no conflicts (2 of 4 stars). 2 submissions from 2 submitters: Likely benign (2). Last evaluated 2023-09-08.

Conditions:
RYR1-related disorder. Also called: RYR1-related disorders; RYR1-related condition. Identifiers: MedGen CN239331.

Allele frequency attached by ClinVar (database versions not stated): gnomAD exomes below 0.00001; TOPMed below 0.00001.
gnomAD v4.1: 6 of 1,613,526 alleles (0.00037%); highest among the groups gnomAD compares: Non-Finnish European, 0.00051%; no homozygotes.

Submissions (2):

Labcorp Genetics (formerly Invitae), Labcorp
Classification: Likely benign for RYR1-related disorder. Last evaluated: 2023-09-08. Review status: criteria provided, single submitter. Criteria: Invitae Variant Classification Sherloc (09022015). Collection method: clinical testing. Allele origin: germline.

GeneDx
Classification: Likely benign. Last evaluated: 2016-08-02. Review status: criteria provided, single submitter. Criteria: GeneDx Variant Classification (06012015). Collection method: clinical testing. Allele origin: germline. Affected: yes.
Comment: This variant is considered likely benign or benign based on one or more of the following criteria: it is a conservative change, it occurs at a poorly conserved position in the protein, it is predicted to be benign by multiple in silico algorithms, and/or has population frequency not consistent with disease.

NM_000540.3(RYR1):c.8616+18T>C

Gene: RYR1 (ryanodine receptor 1; plus strand). Cytogenetic location: 19q13.2.
Variant type: single nucleotide variant.
Coding change: c.8616+18T>C on transcript NM_000540.3 (MANE Select); 18 bases into the intron after coding-DNA position 8616, T replaced by C.
Molecular consequence: intron variant.
Genome position (GRCh38, 1-based): chr19:38,506,395, T>C. VCF-style: chr19-38506395-T-C. GRCh37 (hg19) VCF-style: chr19-38997035-T-C.
Other names: c.8616+18T>C (NM_001042723.2).
Identifiers: ClinVar variation 387805 (VCV000387805.4), dbSNP rs201401795, ClinGen allele CA16608144.
Genomic context (GRCh38, chr19:38,506,395, plus strand): 5'-GCCCCCCGACCTTAGTGCTGTTACCCTGTCCCGGGAGCTGCAGGTGAGAGCCCTGATCCT[T>C]TTGGGGGGACATAGGGTGTCTTTGGGGGGGCTGGCATCCTCTGAATCTAGCCCTTGACTC-3'